The following is an entry in ClinVar:

ClinVar aggregate classification (germline): Uncertain significance (1 of 4 stars; one submission).

Submission:

Labcorp Genetics (formerly Invitae), Labcorp
Classification: Uncertain significance. Last evaluated: 2025-04-21. Review status: criteria provided, single submitter. Criteria: Invitae Variant Classification Sherloc (09022015). Collection method: clinical testing. Allele origin: germline.
Comment: This sequence change replaces lysine, which is basic and polar, with glutamine, which is neutral and polar, at codon 1076 of the TJP2 protein (p.Lys1076Gln). This variant is not present in population databases (gnomAD no frequency). This variant has not been reported in the literature in individuals affected with TJP2-related conditions. ClinVar contains an entry for this variant (Variation ID: 3728586). An algorithm developed to predict the effect of missense changes on protein structure and function (PolyPhen-2) suggests that this variant is likely to be disruptive. In summary, the available evidence is currently insufficient to determine the role of this variant in disease. Therefore, it has been classified as a Variant of Uncertain Significance.

NM_004817.4(TJP2):c.3226A>C (p.Lys1076Gln)

Gene: TJP2 (tight junction protein 2; plus strand). Cytogenetic location: 9q21.11.
Variant type: single nucleotide variant.
Coding change: c.3226A>C on transcript NM_004817.4 (MANE Select); coding-DNA position 3226, A replaced by C.
Protein change: p.Lys1076Gln; replaces lysine 1076 with glutamine.
Molecular consequence: missense variant. On other transcripts: intron variant (3).
Genome position (GRCh38, 1-based): chr9:69,251,269, A>C. VCF-style: chr9-69251269-A-C. GRCh37 (hg19) VCF-style: chr9-71866185-A-C.
Other names: c.3151A>C, p.Lys1051Gln (NM_001369870.1); c.3157A>C, p.Lys1053Gln (NM_001369871.1); c.3115A>C, p.Lys1039Gln (NM_001369872.1); c.2902A>C, p.Lys968Gln (NM_001369873.1); c.3238A>C, p.Lys1080Gln (NM_001369875.1); c.2812-1546A>C (NM_001170414.2); c.2881-1546A>C (NM_201629.3); c.2893-1546A>C (NM_001369874.1); and 2 more; short protein forms K1039Q, K968Q, K1053Q, K1076Q, K1080Q, K1107Q, K1043Q, K1051Q.
Identifiers: ClinVar variation 3728586 (VCV003728586.2).
Genomic context (GRCh38, chr9:69,251,269, plus strand): 5'-ATCCCTCCTCAAGAGGGTGAGGAGGTGGGAGAGAGCAGTGAGGAGCAAGATAATGCTCCC[A>C]AATCAGTCCTGGGCAAAGTCAAAATATTTGAGAAGATGGATCACAAGGCCAGGTTACAGA-3'
Protein context (NP_004808.2, residues 1066-1086): ESSEEQDNAP[Lys1076Gln]SVLGKVKIFE